The following is an entry in ClinVar:

NM_206933.4(USH2A):c.9959-4159A>G

Gene: USH2A (usherin; minus strand). Cytogenetic location: 1q41.
Variant type: single nucleotide variant.
Coding change: c.9959-4159A>G on transcript NM_206933.4 (MANE Select); 4159 bases into the intron before coding-DNA position 9959, A replaced by G.
Molecular consequence: intron variant.
Genome position (GRCh38, 1-based): chr1:215,794,441, T>C on the plus strand (A>G on the coding strand, the complement: USH2A is on the minus strand). VCF-style: chr1-215794441-T-C. GRCh37 (hg19) VCF-style: chr1-215967783-T-C.
Identifiers: ClinVar variation 952728 (VCV000952728.12), dbSNP rs1662067653, ClinGen allele CA1139656571.

ClinVar aggregate classification (germline): Pathogenic/Likely pathogenic. Review status: criteria provided, multiple submitters, no conflicts (2 of 4 stars). 5 submissions from 5 submitters: Pathogenic (2); Likely pathogenic (1). 2 of the submissions do not count toward it. Last evaluated 2026-05-01.

Conditions:
Usher syndrome. Also called: Usher's syndrome; Usher Syndromes. Identifiers: Orphanet 886, MedGen CN469326, MeSH D052245, MONDO:0019501. Disease mechanism: loss of function.
Retinitis pigmentosa 39 (RP39). Identifiers: Orphanet 791, MedGen C3151138, MONDO:0013436, OMIM 613809.

Submissions (5):

Women's Health and Genetics/Laboratory Corporation of America, LabCorp
Classification: Pathogenic for Usher syndrome. Last evaluated: 2026-05-01. Review status: criteria provided, single submitter. Criteria: LabCorp Variant Classification Summary - May 2015. Collection method: clinical testing. Allele origin: germline.
Comment: Variant summary: USH2A c.9959-4159A>G is located at a position not widely known to affect splicing. Several computational tools predict a significant impact on normal splicing: Four predict that the variant creates a 5' donor site. At least one publication reports experimental evidence that this variant affects mRNA splicing (Liquori_2016). The variant was absent in 31376 control chromosomes. c.9959-4159A>G has been observed in individuals affected with USH2A-related conditions (e.g. Liquori_2016, Garcia-Bohorquea_2024, internal data). These data indicate that the variant is likely associated with disease. The following publications have been ascertained in the context of this evaluation (PMID: 39629117, 26629787). ClinVar contains an entry for this variant (Variation ID: 952728). Based on the evidence outlined above, the variant was classified as pathogenic.

Baylor Genetics
Classification: Likely pathogenic for Retinitis pigmentosa 39. Last evaluated: 2023-09-01. Review status: criteria provided, single submitter. Criteria: ACMG Guidelines, 2015. Collection method: clinical testing. Allele origin: unknown.

Labcorp Genetics (formerly Invitae), Labcorp
Classification: Pathogenic. Last evaluated: 2023-03-09. Review status: criteria provided, single submitter. Criteria: Invitae Variant Classification Sherloc (09022015). Collection method: clinical testing. Allele origin: germline.
Comment: This sequence change falls in intron 50 of the USH2A gene. It does not directly change the encoded amino acid sequence of the USH2A protein. This variant is not present in population databases (gnomAD no frequency). This variant has been observed in individual(s) with retinitis pigmentosa and/or Usher syndrome (PMID: 26629787; Invitae). In at least one individual the data is consistent with being in trans (on the opposite chromosome) from a pathogenic variant. ClinVar contains an entry for this variant (Variation ID: 952728). Studies have shown that this variant alters mRNA splicing and is expected to lead to the loss of protein expression (PMID: 26629787). For these reasons, this variant has been classified as Pathogenic.

Clinical Genetics DNA and cytogenetics Diagnostics Lab, Erasmus MC, Erasmus Medical Center
Classification: Pathogenic. Review status: no assertion criteria provided. Collection method: clinical testing. Allele origin: germline. Affected: yes. Study: VKGL Data-share Consensus. Not counted in ClinVar's aggregate classification.

Clinical Genetics, Academic Medical Center
Classification: Pathogenic. Review status: no assertion criteria provided. Collection method: clinical testing. Allele origin: germline. Affected: yes. Study: VKGL Data-share Consensus. Not counted in ClinVar's aggregate classification.

Literature cited by the submitters: PubMed 26629787 (cited by Women's Health and Genetics/Laboratory Corporation of America, LabCorp and Labcorp Genetics (formerly Invitae), Labcorp); PubMed 39629117 (cited by Women's Health and Genetics/Laboratory Corporation of America, LabCorp).